The following is an entry in ClinVar:

NM_017629.4(AGO4):c.829C>T (p.Arg277Trp)

Gene: AGO4 (argonaute RISC component 4; plus strand). Cytogenetic location: 1p34.3.
Variant type: single nucleotide variant.
Coding change: c.829C>T on transcript NM_017629.4 (MANE Select); coding-DNA position 829, C replaced by T.
Protein change: p.Arg277Trp; replaces arginine 277 with tryptophan.
Molecular consequence: missense variant. On other transcripts: non-coding transcript variant (1).
Genome position (GRCh38, 1-based): chr1:35,826,816, C>T. VCF-style: chr1-35826816-C-T. GRCh37 (hg19) VCF-style: chr1-36292417-C-T.
Other names: short protein forms R277W.
Identifiers: ClinVar variation 2294648 (VCV002294648.3), dbSNP rs2523551146, ClinGen allele CA339364368.

ClinVar aggregate classification (germline): Uncertain significance. Review status: criteria provided, multiple submitters, no conflicts (2 of 4 stars). 2 submissions from 2 submitters: Uncertain significance (2). Last evaluated 2023-05-09.

Conditions:
AGO4-related disorder. Also called: AGO4-related condition.

Allele frequency attached by ClinVar (database versions not stated): gnomAD exomes below 0.00001.

Submissions (2):

PreventionGenetics, part of Exact Sciences
Classification: Uncertain significance for AGO4-related condition. Last evaluated: 2023-05-09. Review status: criteria provided, single submitter. Criteria: ACMG Guidelines, 2015. Collection method: clinical testing. Allele origin: germline.
Comment: The AGO4 c.829C>T variant is predicted to result in the amino acid substitution p.Arg277Trp. To our knowledge, this variant has not been reported in the literature or in a large population database, indicating this variant is rare. At this time, the clinical significance of this variant is uncertain due to the absence of conclusive functional and genetic evidence.

Ambry Genetics
Classification: Uncertain significance. Last evaluated: 2022-06-09. Review status: criteria provided, single submitter. Criteria: Ambry Variant Classification Scheme 2023. Collection method: clinical testing. Allele origin: germline.